The following is an entry in ClinVar:

ClinVar aggregate classification (germline): Uncertain significance (1 of 4 stars; one submission).

Conditions:
Seizures, benign familial infantile, 3 (BFIS3). Also called: CONVULSIONS, BENIGN FAMILIAL INFANTILE, 3; Familial neonatal seizures. Identifiers: Orphanet 140927, Orphanet 306, MedGen C1843140, MONDO:0011904, OMIM 607745.
Developmental and epileptic encephalopathy, 11 (DEE11). Also called: Early infantile epileptic encephalopathy 11. Identifiers: Orphanet 1934, MedGen C3150987, MONDO:0013388, OMIM 613721.

Submission:

Labcorp Genetics (formerly Invitae), Labcorp
Classification: Uncertain significance for Seizures, benign familial infantile, 3; Developmental and epileptic encephalopathy, 11. Last evaluated: 2021-04-08. Review status: criteria provided, single submitter. Criteria: Invitae Variant Classification Sherloc (09022015). Collection method: clinical testing. Allele origin: germline.
Comment: In summary, the available evidence is currently insufficient to determine the role of this variant in disease. Therefore, it has been classified as a Variant of Uncertain Significance. Algorithms developed to predict the effect of missense changes on protein structure and function are either unavailable or do not agree on the potential impact of this missense change (SIFT: "Deleterious"; PolyPhen-2: "Probably Damaging"; Align-GVGD: "Class C0"). This variant has not been reported in the literature in individuals with SCN2A-related conditions. This variant is not present in population databases (ExAC no frequency). This sequence change replaces aspartic acid with alanine at codon 740 of the SCN2A protein (p.Asp740Ala). The aspartic acid residue is moderately conserved and there is a moderate physicochemical difference between aspartic acid and alanine.

NM_001040142.2(SCN2A):c.2219A>C (p.Asp740Ala)

Gene: SCN2A (sodium voltage-gated channel alpha subunit 2; plus strand). Cytogenetic location: 2q24.3.
Variant type: single nucleotide variant.
Coding change: c.2219A>C on transcript NM_001040142.2 (MANE Select); coding-DNA position 2219, A replaced by C.
Protein change: p.Asp740Ala; replaces aspartic acid 740 with alanine.
Molecular consequence: missense variant.
Genome position (GRCh38, 1-based): chr2:165,331,399, A>C. VCF-style: chr2-165331399-A-C. GRCh37 (hg19) VCF-style: chr2-166187909-A-C.
Other names: c.2219A>C, p.Asp740Ala (NM_001040143.2, NM_001371246.1, NM_001371247.1 and 1 more transcripts); short protein forms D740A.
Identifiers: ClinVar variation 1059518 (VCV001059518.9), dbSNP rs747869260, ClinGen allele CA349030798.
Genomic context (GRCh38, chr2:165,331,399, plus strand): 5'-AATCCAGACAGAAATGCCCACCATGCTGGTATAAATTTGCTAATATGTGTTTGATTTGGG[A>C]CTGTTGTAAACCATGGTTAAAGGTGAAACACCTTGTCAACCTGGTTGTAATGGACCCATT-3'
Protein context (NP_001035232.1, residues 730-750): YKFANMCLIW[Asp740Ala]CCKPWLKVKH